The following is an entry in ClinVar:

NM_031407.7(HUWE1):c.8749A>G (p.Ser2917Gly)

Gene: HUWE1 (HECT, UBA and WWE domain containing E3 ubiquitin protein ligase 1; minus strand). Cytogenetic location: Xp11.22.
Variant type: single nucleotide variant.
Coding change: c.8749A>G on transcript NM_031407.7 (MANE Select); coding-DNA position 8749, A replaced by G.
Protein change: p.Ser2917Gly; replaces serine 2917 with glycine.
Molecular consequence: missense variant.
Genome position (GRCh38, 1-based): chrX:53,552,639, T>C on the plus strand (A>G on the coding strand, the complement: HUWE1 is on the minus strand). VCF-style: chrX-53552639-T-C. GRCh37 (hg19) VCF-style: chrX-53579600-T-C.
Other names: c.8746A>G, p.Ser2916Gly (NM_001441048.1, NM_001441051.1, NM_001441053.1 and 2 more transcripts); c.8749A>G, p.Ser2917Gly (NM_001441049.1, NM_001441054.1, NM_001441057.1); c.8770A>G, p.Ser2924Gly (NM_001441050.1, NM_001441055.1); c.8347A>G, p.Ser2783Gly (NM_001441052.1); short protein forms S2783G, S2916G, S2917G, S2924G.
Identifiers: ClinVar variation 4535328 (VCV004535328.6).
Genomic context (GRCh38, chrX:53,552,639, plus strand): 5'-AATGTGCTTTGAAAGACCCTCCAATATATCCTACCCTTCTTTTGCCCACACATGCTTACC[T>C]GTCCTCAGGTGGCTGGGCAGATTCCCCTGACCCATCACTCCTGCCTTGCACTTCCGCCAC-3'
Protein context (NP_113584.3, residues 2907-2927): SGESAQPPED[Ser2917Gly]SPPASSESSS

ClinVar aggregate classification (germline): Uncertain significance (1 of 4 stars; one submission).

gnomAD v4.1: 1 of 1,211,981 alleles (0.000083%); no homozygotes.

Submission:

CeGaT Center for Human Genetics Tuebingen
Classification: Uncertain significance. Last evaluated: 2025-12-01. Review status: criteria provided, single submitter. Criteria: CeGaT Center For Human Genetics Tuebingen Variant Classification Criteria Version 2. Collection method: clinical testing. Allele origin: germline. Affected: yes. Observed: 2 variant alleles.
Comment: HUWE1: PM2:Supporting, PP2, BP4